The following is an entry in ClinVar:

NM_002458.3(MUC5B):c.1287C>T (p.Gly429=)

Gene: MUC5B (mucin 5B, oligomeric mucus/gel-forming; plus strand). Cytogenetic location: 11p15.5.
Variant type: single nucleotide variant.
Coding change: c.1287C>T on transcript NM_002458.3 (MANE Select); coding-DNA position 1287, C replaced by T.
Protein change: p.Gly429=; no amino-acid change (glycine 429 retained).
Molecular consequence: synonymous variant.
Genome position (GRCh38, 1-based): chr11:1,230,071, C>T. VCF-style: chr11-1230071-C-T. GRCh37 (hg19) VCF-style: chr11-1251301-C-T.
Identifiers: ClinVar variation 178788 (VCV000178788.6), dbSNP rs2672810, ClinGen allele CA183040.

ClinVar aggregate classification (germline): Benign. Review status: criteria provided, multiple submitters, no conflicts (2 of 4 stars). 2 submissions from 2 submitters: Benign (2). Last evaluated 2013-02-21.

Allele frequency attached by ClinVar (database versions not stated): 1000 Genomes Project 30x 0.01109; 1000 Genomes Project 0.01198; TOPMed 0.01727; gnomAD 0.02302 and 0.02368; ESP Exome Variant Server 0.02460; gnomAD exomes 0.02602 and 0.03008; ExAC 0.02767.
gnomAD v4.1: 47,197 of 1,611,972 alleles (2.9%); highest among the groups gnomAD compares: Non-Finnish European, 3.3%; 897 homozygotes.

Submissions (18):

Laboratory for Molecular Medicine, Mass General Brigham Personalized Medicine
Classification: Benign. Last evaluated: 2013-02-21. Review status: criteria provided, single submitter. Criteria: LMM Criteria. Collection method: clinical testing. Allele origin: germline. Observed: 7 variant alleles.
Comment: Gly429Gly in exon 11 of MUC5B: This variant is not expected to have clinical sig nificance because it does not alter an amino acid residue and is not located wit hin the splice consensus sequence. It has been identified in 3.3% (271/8284) of European American chromosomes from a broad population by the NHLBI Exome Sequenc ing Project (dbSNP rs2672810).

Breakthrough Genomics
Classification: Benign. Review status: criteria provided, single submitter. Criteria: ACMG Guidelines, 2015. Collection method: not provided. Allele origin: germline. Inheritance: Autosomal dominant inheritance. Affected: yes.

Dr. Peter K. Rogan Lab, Western University
No classification provided (evidence only). Condition: Melanoma. Review status: no classification provided. Collection method: in vitro. Allele origin: not applicable. Functional consequence: retained intron. Not counted in ClinVar's aggregate classification.

Dr. Peter K. Rogan Lab, Western University
No classification provided (evidence only). Condition: Melanoma. Review status: no classification provided. Collection method: in vitro. Allele origin: not applicable. Functional consequence: retained intron. Not counted in ClinVar's aggregate classification.

Dr. Peter K. Rogan Lab, Western University
No classification provided (evidence only). Condition: Acute myeloid leukemia. Review status: no classification provided. Collection method: in vitro. Allele origin: not applicable. Functional consequence: retained intron. Not counted in ClinVar's aggregate classification.

Dr. Peter K. Rogan Lab, Western University
No classification provided (evidence only). Condition: Colon adenocarcinoma. Review status: no classification provided. Collection method: in vitro. Allele origin: not applicable. Functional consequence: skipped exon. Not counted in ClinVar's aggregate classification.

Dr. Peter K. Rogan Lab, Western University
No classification provided (evidence only). Condition: Colorectal cancer. Review status: no classification provided. Collection method: in vitro. Allele origin: not applicable. Functional consequence: retained intron. Not counted in ClinVar's aggregate classification.

Dr. Peter K. Rogan Lab, Western University
No classification provided (evidence only). Condition: Uterine corpus endometrial carcinoma. Review status: no classification provided. Collection method: in vitro. Allele origin: not applicable. Functional consequence: retained intron. Not counted in ClinVar's aggregate classification.

Dr. Peter K. Rogan Lab, Western University
No classification provided (evidence only). Condition: Cervical cancer. Review status: no classification provided. Collection method: in vitro. Allele origin: not applicable. Functional consequence: retained intron. Not counted in ClinVar's aggregate classification.

Dr. Peter K. Rogan Lab, Western University
No classification provided (evidence only). Condition: Cervical cancer. Review status: no classification provided. Collection method: in vitro. Allele origin: not applicable. Functional consequence: retained intron. Not counted in ClinVar's aggregate classification.

Dr. Peter K. Rogan Lab, Western University
No classification provided (evidence only). Condition: Gastric cancer. Review status: no classification provided. Collection method: in vitro. Allele origin: not applicable. Functional consequence: retained intron. Not counted in ClinVar's aggregate classification.

Dr. Peter K. Rogan Lab, Western University
No classification provided (evidence only). Condition: Gastric cancer. Review status: no classification provided. Collection method: in vitro. Allele origin: not applicable. Functional consequence: retained intron. Not counted in ClinVar's aggregate classification.

Dr. Peter K. Rogan Lab, Western University
No classification provided (evidence only). Condition: Gastric cancer. Review status: no classification provided. Collection method: in vitro. Allele origin: not applicable. Functional consequence: retained intron. Not counted in ClinVar's aggregate classification.

Dr. Peter K. Rogan Lab, Western University
No classification provided (evidence only). Condition: Adrenocortical carcinoma, hereditary. Review status: no classification provided. Collection method: in vitro. Allele origin: not applicable. Functional consequence: retained intron. Not counted in ClinVar's aggregate classification.

Dr. Peter K. Rogan Lab, Western University
No classification provided (evidence only). Condition: Uveal melanoma. Review status: no classification provided. Collection method: in vitro. Allele origin: not applicable. Functional consequence: retained intron. Not counted in ClinVar's aggregate classification.

Dr. Peter K. Rogan Lab, Western University
No classification provided (evidence only). Condition: Malignant tumor of esophagus. Review status: no classification provided. Collection method: in vitro. Allele origin: not applicable. Functional consequence: retained intron. Not counted in ClinVar's aggregate classification.

Dr. Peter K. Rogan Lab, Western University
No classification provided (evidence only). Condition: Malignant tumor of esophagus. Review status: no classification provided. Collection method: in vitro. Allele origin: not applicable. Functional consequence: retained intron. Not counted in ClinVar's aggregate classification.

Dr. Peter K. Rogan Lab, Western University
No classification provided (evidence only). Condition: Malignant tumor of esophagus. Review status: no classification provided. Collection method: in vitro. Allele origin: not applicable. Functional consequence: retained intron. Not counted in ClinVar's aggregate classification.